The following is an entry in ClinVar:

ClinVar aggregate classification (germline): Uncertain significance. Review status: criteria provided, multiple submitters, no conflicts (2 of 4 stars). 7 submissions from 7 submitters: Uncertain significance (7). Last evaluated 2025-09-04.

Conditions:
Progressive sclerosing poliodystrophy (MTDPS4A). Also called: Mitochondrial DNA depletion syndrome 4A (Alpers type); Mitochondrial DNA Depletion Syndrome 4A; ALPERS PROGRESSIVE INFANTILE POLIODYSTROPHY; Alpers-Huttenlocher Syndrome; Alpers Syndrome; ALPERS DIFFUSE DEGENERATION OF CEREBRAL GRAY MATTER WITH HEPATIC CIRRHOSIS. Identifiers: Orphanet 726, MedGen C0205710, MONDO:0008758, OMIM 203700.
POLG-related disorder. Also called: POLG-Related Spectrum Disorders; POLG-related condition; POLG-Related Disorders. Identifiers: MedGen C4763519.

Allele frequency attached by ClinVar (database versions not stated): ExAC 0.00001; gnomAD 0.00001; TOPMed 0.00001; gnomAD exomes 0.00002 and 0.00005.

Submissions (7):

Myriad Genetics, Inc.
Classification: Uncertain significance for POLG-related disorder. Last evaluated: 2025-09-04. Review status: criteria provided, single submitter. Criteria: Myriad Autosomal Dominant, Autosomal Recessive and X-Linked Classification Criteria (2023). Collection method: clinical testing. Allele origin: unknown.
Comment: NM_002693.2(POLG):c.3346A>G(M1116V) is a missense variant classified as a variant of uncertain significance in the context of POLG-related disorders. M1116V has been observed in a case with relevant disease (PMID: 35641312). Relevant functional assessments of this variant are not available in the literature. M1116V has been observed in referenced population frequency databases. In summary, there is insufficient evidence to classify NM_002693.2(POLG):c.3346A>G(M1116V) as pathogenic or benign. Please note: this variant was assessed in the context of healthy population screening.

Labcorp Genetics (formerly Invitae), Labcorp
Classification: Uncertain significance for Progressive sclerosing poliodystrophy. Last evaluated: 2025-02-07. Review status: criteria provided, single submitter. Criteria: Invitae Variant Classification Sherloc (09022015). Collection method: clinical testing. Allele origin: germline.
Comment: This sequence change replaces methionine, which is neutral and non-polar, with valine, which is neutral and non-polar, at codon 1116 of the POLG protein (p.Met1116Val). This variant is present in population databases (rs201144044, gnomAD 0.004%). This missense change has been observed in individual(s) with clinical features consistent with POLG-related conditions (PMID: 35641312). ClinVar contains an entry for this variant (Variation ID: 206561). Invitae Evidence Modeling of protein sequence and biophysical properties (such as structural, functional, and spatial information, amino acid conservation, physicochemical variation, residue mobility, and thermodynamic stability) indicates that this missense variant is expected to disrupt POLG protein function with a positive predictive value of 95%. In summary, the available evidence is currently insufficient to determine the role of this variant in disease. Therefore, it has been classified as a Variant of Uncertain Significance.

Blueprint Genetics
Classification: Uncertain significance. Last evaluated: 2024-11-26. Review status: criteria provided, single submitter. Criteria: ACMG Guidelines, 2015. Collection method: clinical testing. Allele origin: germline.

Revvity Omics, Revvity
Classification: Uncertain significance. Last evaluated: 2023-06-08. Review status: criteria provided, single submitter. Criteria: ACMG Guidelines, 2015. Collection method: clinical testing. Allele origin: germline.

Women's Health and Genetics/Laboratory Corporation of America, LabCorp
Classification: Uncertain significance. Last evaluated: 2023-04-27. Review status: criteria provided, single submitter. Criteria: LabCorp Variant Classification Summary - May 2015. Collection method: clinical testing. Allele origin: germline.
Comment: Variant summary: POLG c.3346A>G (p.Met1116Val) results in a conservative amino acid change located in the DNA-directed DNA polymerase, family A, palm domain (IPR001098) of the encoded protein sequence. Four of five in-silico tools predict a damaging effect of the variant on protein function. The variant allele was found at a frequency of 2.4e-05 in 251472 control chromosomes (gnomAD). The available data on variant occurrences in the general population are insufficient to allow any conclusion about variant significance. c.3346A>G has been reported in the literature in the heterozygous state as a VUS in an individual affected with a mitochondrial disease who met Nijmegen criteria and underwent multigene panel testing (Davis_2022). This report does not provide unequivocal conclusions about association of the variant with Mitochondrial DNA Depletion Syndrome - POLG Related. To our knowledge, no experimental evidence demonstrating an impact on protein function has been reported. The following publication has been ascertained in the context of this evaluation (PMID: 35641312). Four clinical diagnostic laboratories have submitted clinical-significance assessments for this variant to ClinVar after 2014 and all classified the variant as uncertain significance. Based on the evidence outlined above, the variant was classified as uncertain significance.

CeGaT Center for Human Genetics Tuebingen
Classification: Uncertain significance. Last evaluated: 2020-02-01. Review status: criteria provided, single submitter. Criteria: CeGaT Center For Human Genetics Tuebingen Variant Classification Criteria Version 2. Collection method: clinical testing. Allele origin: germline. Affected: yes. Observed: 1 variant allele.

GeneDx
Classification: Uncertain significance. Last evaluated: 2017-02-24. Review status: criteria provided, single submitter. Criteria: GeneDx Variant Classification (06012015). Collection method: clinical testing. Allele origin: germline. Affected: yes.
Comment: The M1116V variant in the POLG gene has not been reported previously as a pathogenic variant, nor as a benign variant, to our knowledge. The M1116V variant is not observed in large population cohorts (Lek et al., 2016; 1000 Genomes Consortium et al., 2015; Exome Variant Server). The M1116V variant is a conservative amino acid substitution, which is not likely to impact secondary protein structure as these residues share similar properties. This substitution occurs at a position that is conserved across species, and in silico analysis predicts this variant is probably damaging to the protein structure/function. We interpret M1116V as a variant of uncertain significance.

Literature cited by the submitters: PubMed 35641312 (cited by 3 submitters).

NM_002693.3(POLG):c.3346A>G (p.Met1116Val)

Gene: POLG (DNA polymerase gamma, catalytic subunit; minus strand). Cytogenetic location: 15q26.1.
Variant type: single nucleotide variant.
Coding change: c.3346A>G on transcript NM_002693.3 (MANE Select); coding-DNA position 3346, A replaced by G.
Protein change: p.Met1116Val; replaces methionine 1116 with valine.
Molecular consequence: missense variant.
Genome position (GRCh38, 1-based): chr15:89,318,677, T>C on the plus strand (A>G on the coding strand, the complement: POLG is on the minus strand). VCF-style: chr15-89318677-T-C. GRCh37 (hg19) VCF-style: chr15-89861908-T-C.
Other names: p.M1116V:ATG>GTG; c.3346A>G, p.Met1116Val (NM_001126131.2); short protein forms M1116V.
Identifiers: ClinVar variation 206561 (VCV000206561.52), dbSNP rs201144044, ClinGen allele CA316766.